The following is an entry in ClinVar:

ClinVar aggregate classification (germline): Pathogenic/Likely pathogenic. Review status: criteria provided, multiple submitters, no conflicts (2 of 4 stars). 21 submissions from 21 submitters: Pathogenic (3); Likely pathogenic (17). 1 of the submissions does not count toward it. Last evaluated 2026-04-28.

Conditions:
Pheochromocytoma/paraganglioma syndrome 3. Also called: GLOMUS TUMORS, FAMILIAL, 3; SDHC-Related Hereditary Paraganglioma-Pheochromocytoma Syndrome (Paragangliomas 3); Paragangliomas 3; SDHC-Related Hereditary Paraganglioma-Pheochromocytoma Syndrome. Identifiers: Orphanet 29072, MedGen C1854336, MONDO:0011544, OMIM 605373.
Gastrointestinal stromal tumor. Also called: Gastrointestinal stromal tumor, somatic; Gastrointestinal stroma tumor. Identifiers: Orphanet 44890, MedGen C0238198, MeSH D046152, MONDO:0011719, OMIM 606764, HP:0100723.
Hereditary cancer-predisposing syndrome. Also called: Neoplastic Syndromes, Hereditary; Tumor predisposition; Hereditary neoplastic syndrome; Hereditary Cancer Syndrome. Identifiers: Orphanet 140162, MedGen C0027672, MeSH D009386, MONDO:0015356.
Carney-Stratakis syndrome. Also called: PARAGANGLIOMA AND GASTROINTESTINAL STROMAL TUMOR. Identifiers: Orphanet 97286, MedGen C1847319, MONDO:0011740, OMIM 606864.
Hereditary pheochromocytoma and paraganglioma. Also called: Hereditary pheochromocytoma-paraganglioma; Hereditary Paraganglioma-Pheochromocytoma Syndromes; Hereditary paragangliomas and pheochromocytomas. Identifiers: Orphanet 29072, MedGen C4274332, MONDO:0017366.

Allele frequency attached by ClinVar (database versions not stated): gnomAD 0.00001; TOPMed 0.00002; gnomAD exomes 0.00003.
gnomAD v4.1: 45 of 1,612,542 alleles (0.0028%); highest among the groups gnomAD compares: Non-Finnish European, 0.0038%; no homozygotes.

Submissions 1 to 9 of 21:

Greenwood Genetic Center Diagnostic Laboratories, Greenwood Genetic Center
Classification: Likely pathogenic for Pheochromocytoma/paraganglioma syndrome 3. Last evaluated: 2026-04-28. Review status: criteria provided, single submitter. Criteria: ACMG Guidelines, 2015. Collection method: clinical testing. Allele origin: germline.
Comment: PS3, PM2

Center for Genomic Medicine, Rigshospitalet, Copenhagen University Hospital
Classification: Likely pathogenic. Last evaluated: 2025-12-29. Review status: criteria provided, single submitter. Criteria: ACMG Guidelines, 2015. Collection method: clinical testing. Allele origin: germline.

Labcorp Genetics (formerly Invitae), Labcorp
Classification: Pathogenic for Pheochromocytoma/paraganglioma syndrome 3; Gastrointestinal stromal tumor. Last evaluated: 2025-12-08. Review status: criteria provided, single submitter. Criteria: Invitae Variant Classification Sherloc (09022015). Collection method: clinical testing. Allele origin: germline.
Comment: This sequence change replaces arginine, which is basic and polar, with cysteine, which is neutral and slightly polar, at codon 50 of the SDHC protein (p.Arg50Cys). This variant is not present in population databases (gnomAD no frequency). This missense change has been observed in individuals with pheochromocytoma or head and neck paranglioma (PMID: 19351833, 23666964, 24102379). ClinVar contains an entry for this variant (Variation ID: 135194). Invitae Evidence Modeling of protein sequence and biophysical properties (such as structural, functional, and spatial information, amino acid conservation, physicochemical variation, residue mobility, and thermodynamic stability) indicates that this missense variant is expected to disrupt SDHC protein function with a positive predictive value of 95%. Experimental studies have shown that this missense change affects SDHC function (PMID: 23175444). For these reasons, this variant has been classified as Pathogenic.

Clinical Genetics Laboratory, University Hospital Schleswig-Holstein
Classification: Likely pathogenic for Pheochromocytoma/paraganglioma syndrome 3. Last evaluated: 2025-11-14. Review status: criteria provided, single submitter. Criteria: ACMG Guidelines, 2015. Collection method: clinical testing. Allele origin: germline. Observed: 2 heterozygotes.
Comment: ACMG criteria applied: PM2, PS4_Moderate, PP3, PS3_Supporting

Ambry Genetics
Classification: Likely pathogenic for Hereditary cancer-predisposing syndrome. Last evaluated: 2025-10-09. Review status: criteria provided, single submitter. Criteria: Ambry Variant Classification Scheme 2023. Collection method: clinical testing. Allele origin: germline.
Comment: The p.R50C variant (also known as c.148C>T), located in coding exon 3 of the SDHC gene, results from a C to T substitution at nucleotide position 148. The arginine at codon 50 is replaced by cysteine, an amino acid with highly dissimilar properties. This alteration has been detected in multiple individuals with a personal and/or family history that is consistent with SDHC-related disease (Neumann HP et al. Cancer Res. 2009 Apr 15;69:3650-6; Rattenberry E et al. J. Clin. Endocrinol. Metab. 2013 Jul;98:E1248-56; McInerney-Leo AM et al. Clin. Endocrinol. (Oxf) 2014 Jan;80:25-33; Bennedbaek M et al. Hered. Cancer Clin. Pract. 2016 Jun;14:13; Andrews KA et al. J. Med. Genet., 2018 Jun;55:384-394; Casey RT et al. Sci Rep, 2019 07;9:10244; Main AM et al. Endocr Connect, 2020 Aug;9:793-803; Sen I et al. J Vasc Surg, 2020 May;71:1602-1612.e2; Williams ST et al. Clin Endocrinol (Oxf), 2022 Apr;96:499-512). In a yeast-based functional study, this alteration resulted in a significant reduction of SDH enzyme activity (Panizza E et al. Hum. Mol. Genet. 2013 Feb;22:804-15). This variant is considered to be rare based on population cohorts in the Genome Aggregation Database (gnomAD). This amino acid position is highly conserved in available vertebrate species. In addition, this alteration is predicted to be deleterious by in silico analysis. Based on the majority of available evidence to date, this variant is likely to be pathogenic.

Quest Diagnostics Nichols Institute San Juan Capistrano
Classification: Pathogenic. Last evaluated: 2025-08-11. Review status: criteria provided, single submitter. Criteria: Quest Diagnostics criteria. Collection method: clinical testing. Allele origin: unknown.
Comment: The SDHC c.148C>T (p.Arg50Cys) variant has been reported in the published literature in multiple individuals affected with hereditary paraganglioma/pheochromocytoma syndrome (PMID: 34558728 (2022), 32688340 (2020), 32035780 (2020), 30201732 (2018), 29386252 (2018), 27279923 (2016), 24102379 (2014), 23666964 (2013), 19351833 (2009)). Additionally, a functional study performed in a yeast model did not conclusively demonstrate a damaging effect on protein function, though a partial reduction of SDH enzyme activity was observed (PMID: 23175444 (2013)). Reportedly, the variant may interrupt the assembly and stability of mitochondrial Complex II (PMID: 34558728 (2022)). The frequency of this variant in the general population (Genome Aggregation Database) is consistent with pathogenicity. Based on the available information, this variant is classified as pathogenic.

GeneDx
Classification: Likely pathogenic. Last evaluated: 2025-07-02. Review status: criteria provided, single submitter. Criteria: GeneDx Variant Classification Process June 2021. Collection method: clinical testing. Allele origin: germline. Affected: yes.
Comment: Published functional studies in yeast demonstrate reduced SDH enzyme activity (PMID: 23175444); Not observed at significant frequency in large population cohorts (gnomAD); In silico analysis supports that this missense variant has a deleterious effect on protein structure/function; This variant is associated with the following publications: (PMID: 23666964, 19351833, 24728327, 27279923, 25394176, 22517557, 31308404, 29386252, 20236688, 24102379, 33332384, 31567591, 31447099, 34558728, 32688340, 37019617, 26273102, 32035780, 30201732, 23175444)

Color Diagnostics, LLC DBA Color Health
Classification: Likely pathogenic for Hereditary pheochromocytoma and paraganglioma. Last evaluated: 2025-06-10. Review status: criteria provided, single submitter. Criteria: ACMG Guidelines, 2015. Collection method: clinical testing. Allele origin: germline.
Comment: This missense variant replaces arginine with cysteine at codon 50 of the SDHC protein. Computational prediction suggests that this variant may have deleterious impact on protein structure and function. Functional studies in yeast have shown that this variant displays reduced succincate dehydrogenase activity and increased mtDNA mutability (PMID: 23175444). This variant has been reported in numerous individuals affected with paraganglioma and/pr pheochromocytoma (PMID: 19351833, 23666964, 24102379, 27279923, 29386252, 31308404, 32688340). This variant has not been identified in the general population by the Genome Aggregation Database (gnomAD). Based on the available evidence, this variant is classified as Likely Pathogenic.

Department of Clinical Genetics, Copenhagen University Hospital, Rigshospitalet
Classification: Likely pathogenic for Hereditary pheochromocytoma and paraganglioma. Last evaluated: 2025-01-24. Review status: criteria provided, single submitter. Criteria: ACMG Guidelines, 2015. Collection method: clinical testing. Allele origin: germline.
Comment: The following ACMG criteria have been used in classification: PM2_SUP (gnomAD 3.1.2, non-cancer); PP3; PS4_MOD; PS3_SUP; PP1. Observed in several healthy individuals, which may indicate reduced penetrance

NM_003001.5(SDHC):c.148C>T (p.Arg50Cys)

Gene: SDHC (succinate dehydrogenase complex subunit C; plus strand). Cytogenetic location: 1q23.3.
Variant type: single nucleotide variant.
Coding change: c.148C>T on transcript NM_003001.5 (MANE Select); coding-DNA position 148, C replaced by T.
Protein change: p.Arg50Cys; replaces arginine 50 with cysteine.
Molecular consequence: missense variant. On other transcripts: non-coding transcript variant (1), intron variant (4).
Genome position (GRCh38, 1-based): chr1:161,328,466, C>T. VCF-style: chr1-161328466-C-T. GRCh37 (hg19) VCF-style: chr1-161298256-C-T.
Other names: c.148C>T, p.Arg50Cys (NM_001035511.3, NM_001407115.1); c.91C>T, p.Arg31Cys (NM_001407116.1, NM_001407117.1, NM_001407121.1); c.37C>T, p.Arg13Cys (NM_001407119.1, NM_001407120.1); c.77+4796C>T (NM_001035512.3, NM_001278172.3, NM_001407118.1); c.21-12128C>T (NM_001035513.3); short protein forms R50C, R31C, R13C.
Identifiers: ClinVar variation 135194 (VCV000135194.73), dbSNP rs587778661, ClinGen allele CA011515.